The following is an entry in ClinVar:

ClinVar aggregate classification (germline): Likely pathogenic (1 of 4 stars; one submission).

Conditions:
Joubert syndrome. Also called: Familial aplasia of the vermis; JOUBERT-BOLTSHAUSER SYNDROME; CEREBELLOPARENCHYMAL DISORDER IV. Identifiers: Orphanet 475, MedGen C5979921, MONDO:0018772.

Submission:

Natera, Inc.
Classification: Likely pathogenic for Joubert syndrome. Last evaluated: 2024-07-05. Review status: criteria provided, single submitter. Criteria: Natera Variant Classification Schema (03/2026). Collection method: clinical testing. Allele origin: germline.
Comment: The c.877C>T variant in RPGRIP1L is a nonsense variant predicted to introduce a stop codon at amino acid 293. This variant is expected to result in nonsense mediated decay, truncation, or a dysfunctional protein product. This variant is rare in the general population with a frequency below the threshold expected for the associated phenotype(s). Given the available evidence, this variant is classified as Likely Pathogenic.

NM_015272.5(RPGRIP1L):c.877C>T (p.Gln293Ter)

Gene: RPGRIP1L (RPGRIP1 like; minus strand). Cytogenetic location: 16q12.2.
Variant type: single nucleotide variant.
Coding change: c.877C>T on transcript NM_015272.5 (MANE Select); coding-DNA position 877, C replaced by T.
Protein change: p.Gln293Ter; replaces glutamine 293 with a stop codon.
Molecular consequence: nonsense.
Genome position (GRCh38, 1-based): chr16:53,675,022, G>A on the plus strand (C>T on the coding strand, the complement: RPGRIP1L is on the minus strand). VCF-style: chr16-53675022-G-A. GRCh37 (hg19) VCF-style: chr16-53708934-G-A.
Other names: c.877C>T, p.Gln293Ter (NM_001127897.4, NM_001308334.3, NM_001330538.2); short protein forms Q293*.
Identifiers: ClinVar variation 4815853 (VCV004815853.1).